The following is an entry in ClinVar:

NM_004453.4(ETFDH):c.821G>A (p.Gly274Glu)

Gene: ETFDH (electron transfer flavoprotein dehydrogenase; plus strand). Cytogenetic location: 4q32.1.
Variant type: single nucleotide variant.
Coding change: c.821G>A on transcript NM_004453.4 (MANE Select); coding-DNA position 821, G replaced by A.
Protein change: p.Gly274Glu; replaces glycine 274 with glutamic acid.
Molecular consequence: missense variant.
Genome position (GRCh38, 1-based): chr4:158,695,633, G>A. VCF-style: chr4-158695633-G-A. GRCh37 (hg19) VCF-style: chr4-159616785-G-A.
Other names: c.680G>A, p.Gly227Glu (NM_001281737.2); c.638G>A, p.Gly213Glu (NM_001281738.1); short protein forms G213E, G227E, G274E.
Identifiers: ClinVar variation 4815353 (VCV004815353.1).

ClinVar aggregate classification (germline): Likely pathogenic (1 of 4 stars; one submission).

Conditions:
Glutaric acidemia type 2C.

Submission:

Natera, Inc.
Classification: Likely pathogenic for Glutaric acidemia type 2C. Last evaluated: 2024-07-17. Review status: criteria provided, single submitter. Criteria: Natera Variant Classification Schema (03/2026). Collection method: clinical testing. Allele origin: germline.
Comment: The c.821G>A variant in ETFDH is a missense variant predicted to cause substitution of glycine to glutamic acid at amino acid 274. This variant is rare in the general population with a frequency below the threshold expected for the associated phenotype(s). This variant has been observed in one or more individuals affected with the associated recessive disease, as either homozygous or compound heterozygous with a second variant (PMID: 31852447, 24522293). This variant has been identified in one or more affected individuals with a phenotype highly consistent with the associated gene (PMID:31852447). Computational prediction algorithms indicate this variant is likely to affect gene or protein function. Given the available evidence, this variant is classified as Likely Pathogenic.

Literature cited by the submitters: PubMed 31852447; PubMed 24522293.